The following is an entry in ClinVar:

ClinVar aggregate classification (germline): Uncertain significance (0 of 4 stars; one submission).

Conditions:
ADCY3-related disorder. Also called: ADCY3-related condition.

gnomAD v4.1: 31 of 1,613,884 alleles (0.0019%); highest among the groups gnomAD compares: South Asian, 0.03%; 1 homozygote.

Submission:

PreventionGenetics, part of Exact Sciences
Classification: Uncertain significance for ADCY3-related condition. Last evaluated: 2024-09-03. Review status: no assertion criteria provided. Collection method: clinical testing. Allele origin: germline.
Comment: The ADCY3 c.527T>C variant is predicted to result in the amino acid substitution p.Val176Ala. To our knowledge, this variant has not been reported in the literature. This variant is reported in 0.046% of alleles in individuals of South Asian descent in gnomAD. At this time, the clinical significance of this variant is uncertain due to the absence of conclusive functional and genetic evidence.

NM_004036.5(ADCY3):c.527T>C (p.Val176Ala)

Gene: ADCY3 (adenylate cyclase 3; minus strand). Cytogenetic location: 2p23.3.
Variant type: single nucleotide variant.
Coding change: c.527T>C on transcript NM_004036.5 (MANE Select); coding-DNA position 527, T replaced by C.
Protein change: p.Val176Ala; replaces valine 176 with alanine.
Molecular consequence: missense variant.
Genome position (GRCh38, 1-based): chr2:24,918,461, A>G on the plus strand (T>C on the coding strand, the complement: ADCY3 is on the minus strand). VCF-style: chr2-24918461-A-G. GRCh37 (hg19) VCF-style: chr2-25141330-A-G.
Other names: c.527T>C, p.Val176Ala (NM_001320613.2, NM_001377128.1, NM_001377129.1 and 2 more transcripts); short protein forms V176A.
Identifiers: ClinVar variation 3345048 (VCV003345048.1).